The following is an entry in ClinVar:

ClinVar aggregate classification (germline): Likely benign. Review status: criteria provided, multiple submitters, no conflicts (2 of 4 stars). 3 submissions from 3 submitters: Likely benign (2). 1 of the submissions does not count toward it. Last evaluated 2022-09-06.

Conditions:
MIPEP-related disorder. Also called: MIPEP-related condition.

Allele frequency attached by ClinVar (database versions not stated): gnomAD exomes below 0.00001; ExAC 0.00001; TOPMed 0.00002.
gnomAD v4.1: 6 of 1,514,686 alleles (0.0004%); highest among the groups gnomAD compares: Non-Finnish European, 0.00044%; no homozygotes.

Submissions (3):

Labcorp Genetics (formerly Invitae), Labcorp
Classification: Likely benign. Last evaluated: 2022-09-06. Review status: criteria provided, single submitter. Criteria: Invitae Variant Classification Sherloc (09022015). Collection method: clinical testing. Allele origin: germline.

Blueprint Genetics
Classification: Likely benign. Last evaluated: 2021-05-26. Review status: criteria provided, single submitter. Criteria: ACMG Guidelines, 2015. Collection method: clinical testing. Allele origin: germline.

PreventionGenetics, part of Exact Sciences
Classification: Likely benign for MIPEP-related condition. Last evaluated: 2019-12-04. Review status: no assertion criteria provided. Collection method: clinical testing. Allele origin: germline. Not counted in ClinVar's aggregate classification.
Comment: This variant is classified as likely benign based on ACMG/AMP sequence variant interpretation guidelines (Richards et al. 2015 PMID: 25741868, with internal and published modifications).

NM_005932.4(MIPEP):c.604-9T>C

Gene: MIPEP (mitochondrial intermediate peptidase; minus strand). Cytogenetic location: 13q12.12.
Variant type: single nucleotide variant.
Coding change: c.604-9T>C on transcript NM_005932.4 (MANE Select); 9 bases into the intron before coding-DNA position 604, T replaced by C.
Molecular consequence: intron variant.
Genome position (GRCh38, 1-based): chr13:23,870,204, A>G on the plus strand (T>C on the coding strand, the complement: MIPEP is on the minus strand). VCF-style: chr13-23870204-A-G. GRCh37 (hg19) VCF-style: chr13-24444343-A-G.
Other names: c.604-9T>C (NM_005932.3).
Identifiers: ClinVar variation 1898931 (VCV001898931.7), dbSNP rs776733524, ClinGen allele CA6913256.